The following is an entry in ClinVar:

ClinVar aggregate classification (germline): Uncertain significance. Review status: criteria provided, multiple submitters, no conflicts (2 of 4 stars). 9 submissions from 9 submitters: Uncertain significance (8). 1 of the submissions does not count toward it. Last evaluated 2025-04-14.

Conditions:
Congenital multicore myopathy with external ophthalmoplegia (CMYO1B). Also called: MULTIMINICORE DISEASE WITH EXTERNAL OPHTHALMOPLEGIA; Minicore myopathy with external ophthalmoplegia; MULTICORE MYOPATHY; Congenital myopathy 1B, autosomal recessive; Minicore myopathy. Identifiers: Orphanet 598, Orphanet 98905, MedGen C1850674, MONDO:0009712, OMIM 255320, HP:0003789.
Malignant hyperthermia, susceptibility to, 1 (MHS1). Also called: Anesthesia related hyperthermia; Malignant hyperpyrexia; Fulminating hyperpyrexia; Pharmacogenic myopathy; RYR1-Related Malignant Hyperthermia Susceptibility; Malignant hyperthermia suceptibility 1. Identifiers: Orphanet 423, MedGen C2930980, MONDO:0007783, OMIM 145600.
Central core myopathy (CMYO1A). Also called: CONGENITAL MYOPATHY 1A, AUTOSOMAL DOMINANT, WITH SUSCEPTIBILITY TO MALIGNANT HYPERTHERMIA; Central core disease; Myopathy, central fibrillar. Identifiers: Orphanet 597, MedGen C5830701, MONDO:0007294, OMIM 117000.
Congenital myopathy with fiber type disproportion. Also called: Congenital fiber-type disproportion myopathy; Congenital fiber-type disproportion. Identifiers: Orphanet 2020, MedGen C0546264, MONDO:0009711. Inheritance: all.
King Denborough syndrome (KDS). Identifiers: MedGen C1840365, MONDO:0020485, OMIM 619542.
RYR1-related disorder. Also called: RYR1-related disorders; RYR1-related condition. Identifiers: MedGen CN239331.

Allele frequency attached by ClinVar (database versions not stated): gnomAD 0.00003; TOPMed 0.00005.
gnomAD v4.1: 16 of 1,613,898 alleles (0.00099%); highest among the groups gnomAD compares: Non-Finnish European, 0.0013%; no homozygotes.

Submissions (9):

Revvity Omics, Revvity
Classification: Uncertain significance. Last evaluated: 2025-04-14. Review status: criteria provided, single submitter. Criteria: ACMG Guidelines, 2015. Collection method: clinical testing. Allele origin: germline.

Blueprint Genetics
Classification: Uncertain significance. Last evaluated: 2024-11-18. Review status: criteria provided, single submitter. Criteria: ACMG Guidelines, 2015. Collection method: clinical testing. Allele origin: germline.

Labcorp Genetics (formerly Invitae), Labcorp
Classification: Uncertain significance for RYR1-related disorder. Last evaluated: 2024-11-16. Review status: criteria provided, single submitter. Criteria: Invitae Variant Classification Sherloc (09022015). Collection method: clinical testing. Allele origin: germline.
Comment: This sequence change replaces alanine, which is neutral and non-polar, with glycine, which is neutral and non-polar, at codon 4906 of the RYR1 protein (p.Ala4906Gly). This variant is present in population databases (rs118192153, gnomAD 0.002%). This missense change has been observed in individual(s) with malignant hyperthermia susceptibility (PMID: 23558838). ClinVar contains an entry for this variant (Variation ID: 193772). Invitae Evidence Modeling of protein sequence and biophysical properties (such as structural, functional, and spatial information, amino acid conservation, physicochemical variation, residue mobility, and thermodynamic stability) has been performed for this missense variant. However, the output from this modeling did not meet the statistical confidence thresholds required to predict the impact of this variant on RYR1 protein function. This variant disrupts the p.Ala4906 amino acid residue in RYR1. Other variant(s) that disrupt this residue have been determined to be pathogenic (PMID: 11741831, 12642598, 30611313). This suggests that this residue is clinically significant, and that variants that disrupt this residue are likely to be disease-causing. In summary, the available evidence is currently insufficient to determine the role of this variant in disease. Therefore, it has been classified as a Variant of Uncertain Significance.

All of Us Research Program, National Institutes of Health
Classification: Uncertain significance for Malignant hyperthermia, susceptibility to, 1. Last evaluated: 2024-06-09. Review status: criteria provided, single submitter. Criteria: ACMG Guidelines, 2015. Collection method: clinical testing. Allele origin: germline. Inheritance: Autosomal dominant inheritance. Observed: 1 variant allele, 1 heterozygote.
Comment: This missense variant replaces alanine with glycine at codon 4906 of the RYR1 protein. Computational prediction is inconclusive regarding the impact of this variant on protein structure and function. To our knowledge, functional studies have not been reported for this variant. This variant has been reported in a family affected with malignant hyperthermia susceptibility (PMID: 23558838). This variant has been identified in 4/282662 chromosomes in the general population by the Genome Aggregation Database (gnomAD). The available evidence is insufficient to determine the role of this variant in disease conclusively. Therefore, this variant is classified as a Variant of Uncertain Significance.

This study involves interpretation of variants in research participants for the purpose of population health screening. Participant phenotype was not available at the time of variant classification. Additional details can be found in publication PMID: 35346344, PMCID: PMC8962531

Color Diagnostics, LLC DBA Color Health
Classification: Uncertain significance for Malignant hyperthermia, susceptibility to, 1. Last evaluated: 2024-05-20. Review status: criteria provided, single submitter. Criteria: ACMG Guidelines, 2015. Collection method: clinical testing. Allele origin: germline.
Comment: This missense variant replaces alanine with glycine at codon 4906 of the RYR1 protein. Computational prediction is inconclusive regarding the impact of this variant on protein structure and function. To our knowledge, functional studies have not been reported for this variant. This variant has been reported in a family affected with malignant hyperthermia susceptibility (PMID: 23558838). This variant has been identified in 4/282662 chromosomes in the general population by the Genome Aggregation Database (gnomAD). The available evidence is insufficient to determine the role of this variant in disease conclusively. Therefore, this variant is classified as a Variant of Uncertain Significance.

GeneDx
Classification: Uncertain significance. Last evaluated: 2023-03-01. Review status: criteria provided, single submitter. Criteria: GeneDx Variant Classification Process June 2021. Collection method: clinical testing. Allele origin: germline. Affected: yes.
Comment: Reported in the sibling of a proband who died from apparent malignant hyperthermia; however, no clinical information was provided for the sibling (Brandom et al., 2013); Not observed at significant frequency in large population cohorts (gnomAD); In silico analysis supports that this missense variant has a deleterious effect on protein structure/function; This variant is associated with the following publications: (PMID: 23558838, 20681998)

Fulgent Genetics
Classification: Uncertain significance for Central core myopathy; Malignant hyperthermia, susceptibility to, 1; Congenital myopathy 4A, autosomal dominant; Congenital multicore myopathy with external ophthalmoplegia; King Denborough syndrome. Last evaluated: 2021-10-11. Review status: criteria provided, single submitter. Criteria: ACMG Guidelines, 2015. Collection method: clinical testing. Allele origin: unknown.

Eurofins Ntd Llc (ga)
Classification: Uncertain significance. Last evaluated: 2014-12-17. Review status: criteria provided, single submitter. Criteria: EGL Classification Definitions 2015. Collection method: clinical testing. Allele origin: germline. Observed: 1 variant allele, 1 heterozygote.

PreventionGenetics, part of Exact Sciences
Classification: Uncertain significance for RYR1-related condition. Last evaluated: 2024-06-25. Review status: no assertion criteria provided. Collection method: clinical testing. Allele origin: germline. Not counted in ClinVar's aggregate classification.
Comment: The RYR1 c.14717C>G variant is predicted to result in the amino acid substitution p.Ala4906Gly. This variant was reported in a sibling of an individual that died of apparent malignant hyperthermia; however, additional clinical details for the sibling were not provided (Brandom et al 2013. PubMed ID: 23558838). A different substitution at this position (p.Ala4906Val) was reported with a second RYR1 splice variant in a patient with RYR1-related myopathy (Additional File 1, P8 in Garibaldi M et al 2019. PubMed ID: 30611313). This variant is reported in 0.0023% of alleles in individuals of European (non-Finnish) descent in gnomAD. Although we suspect this variant could be pathogenic, at this time, the clinical significance of this variant is uncertain due to the absence of conclusive functional and genetic evidence.

Literature cited by the submitters: PubMed 23558838 (cited by 3 submitters); PubMed 11741831 (cited by Labcorp Genetics (formerly Invitae), Labcorp); PubMed 12642598 (cited by Labcorp Genetics (formerly Invitae), Labcorp); PubMed 30611313 (cited by Labcorp Genetics (formerly Invitae), Labcorp).

NM_000540.3(RYR1):c.14717C>G (p.Ala4906Gly)

Gene: RYR1 (ryanodine receptor 1; plus strand). Cytogenetic location: 19q13.2.
Variant type: single nucleotide variant.
Coding change: c.14717C>G on transcript NM_000540.3 (MANE Select); coding-DNA position 14717, C replaced by G.
Protein change: p.Ala4906Gly; replaces alanine 4906 with glycine.
Molecular consequence: missense variant.
Genome position (GRCh38, 1-based): chr19:38,585,013, C>G. VCF-style: chr19-38585013-C-G. GRCh37 (hg19) VCF-style: chr19-39075653-C-G.
Other names: c.14702C>G, p.Ala4901Gly (NM_001042723.2); short protein forms A4906G, A4901G.
Identifiers: ClinVar variation 193772 (VCV000193772.20), dbSNP rs118192153, ClinGen allele CA024239.